The following is an entry in ClinVar:

ClinVar aggregate classification (germline): Uncertain significance (1 of 4 stars; one submission).

Submission:

Labcorp Genetics (formerly Invitae), Labcorp
Classification: Uncertain significance. Last evaluated: 2025-09-08. Review status: criteria provided, single submitter. Criteria: Invitae Variant Classification Sherloc (09022015). Collection method: clinical testing. Allele origin: germline.
Comment: This sequence change creates a premature translational stop signal (p.Ala136Valfs*13) in the TMEM126A gene. While this is not anticipated to result in nonsense mediated decay, it is expected to disrupt the last 60 amino acid(s) of the TMEM126A protein. This variant is present in population databases (rs576234269, gnomAD 0.01%). This variant has not been reported in the literature in individuals affected with TMEM126A-related conditions. ClinVar contains an entry for this variant (Variation ID: 1957104). Experimental studies and prediction algorithms are not available or were not evaluated, and the functional significance of this variant is currently unknown. In summary, the available evidence is currently insufficient to determine the role of this variant in disease. Therefore, it has been classified as a Variant of Uncertain Significance.

NM_032273.4(TMEM126A):c.405_409del (p.Ala136fs)

Gene: TMEM126A (transmembrane protein 126A; plus strand). Cytogenetic location: 11q14.1.
Variant type: Deletion.
Coding change: c.405_409del on transcript NM_032273.4 (MANE Select); coding-DNA positions 405 to 409, 5 bases deleted (AGCTC; older notation c.405_409delAGCTC).
Protein change: p.Ala136fs; shifts the reading frame from alanine 136.
Molecular consequence: frameshift variant.
Genome position (GRCh38, 1-based): chr11:85,656,318-85,656,322, AGCTC deleted; deleting any 5 consecutive bases within chr11:85,656,316-85,656,322 gives the same sequence; the c. name uses the placement nearest the transcript's 3' end. VCF-style (leftmost placement, unchanged base first): chr11-85656315-ATCAGC-A. GRCh37 (hg19) VCF-style: chr11-85367359-ATCAGC-A.
Other names: c.195_199del, p.Ala66fs (NM_001244735.2); short protein forms A66fs, A136fs.
Identifiers: ClinVar variation 1957104 (VCV001957104.5), dbSNP rs576234269, ClinGen allele CA6212807.
Genomic context (GRCh38, chr11:85,656,315, plus strand): 5'-TGCCATTTGATGCAACAATCTTTTCTATTGAACTATCTCAATGTTTTCTTACAGGTATCA[ATCAGC>A]TCTGTTACCACACAAAGGGAACATCTTAAGTTACTGGATTAGAACTTCTAAGCCTGTCTT-3'